The following is an entry in ClinVar:

NM_002439.5(MSH3):c.2749C>G (p.Gln917Glu)

Gene: MSH3 (mutS homolog 3; plus strand). Cytogenetic location: 5q14.1.
Variant type: single nucleotide variant.
Coding change: c.2749C>G on transcript NM_002439.5 (MANE Select); coding-DNA position 2749, C replaced by G.
Protein change: p.Gln917Glu; replaces glutamine 917 with glutamic acid.
Molecular consequence: missense variant.
Genome position (GRCh38, 1-based): chr5:80,813,677, C>G. VCF-style: chr5-80813677-C-G. GRCh37 (hg19) VCF-style: chr5-80109496-C-G.
Other names: short protein forms Q917E.
Identifiers: ClinVar variation 4111095 (VCV004111095.1).

ClinVar aggregate classification (germline): Uncertain significance (1 of 4 stars; one submission).

Conditions:
Hereditary cancer-predisposing syndrome. Also called: Tumor predisposition; Neoplastic Syndromes, Hereditary; Hereditary neoplastic syndrome; Hereditary Cancer Syndrome. Identifiers: Orphanet 140162, MedGen C0027672, MeSH D009386, MONDO:0015356.

Submission:

Ambry Genetics
Classification: Uncertain significance for Hereditary cancer-predisposing syndrome. Last evaluated: 2025-07-06. Review status: criteria provided, single submitter. Criteria: Ambry Variant Classification Scheme 2023. Collection method: clinical testing. Allele origin: germline.
Comment: The p.Q917E variant (also known as c.2749C>G), located in coding exon 20 of the MSH3 gene, results from a C to G substitution at nucleotide position 2749. The glutamine at codon 917 is replaced by glutamic acid, an amino acid with highly similar properties. This amino acid position is conserved. In addition, this alteration is predicted to be deleterious by in silico analysis. Based on the available evidence, the clinical significance of this variant remains unclear.